The following is an entry in ClinVar:

ClinVar aggregate classification (germline): Uncertain significance. Review status: criteria provided, multiple submitters, no conflicts (2 of 4 stars). 3 submissions from 3 submitters: Uncertain significance (2). 1 of the submissions does not count toward it. Last evaluated 2022-12-14.

Conditions:
3-methylcrotonyl-CoA carboxylase 1 deficiency (MCC1D). Also called: MCC 1 deficiency; 3 Alpha methylcrotonylglycinuria 1; MCCD TYPE 1; METHYLCROTONYLGLYCINURIA TYPE I. Identifiers: Orphanet 6, MedGen CN028786, MONDO:0008861, OMIM 210200.

Allele frequency attached by ClinVar (database versions not stated): gnomAD 0.00001; gnomAD exomes 0.00001; TOPMed 0.00001.

Submissions (3):

Women's Health and Genetics/Laboratory Corporation of America, LabCorp
Classification: Uncertain significance. Last evaluated: 2022-12-14. Review status: criteria provided, single submitter. Criteria: LabCorp Variant Classification Summary - May 2015. Collection method: clinical testing. Allele origin: germline.
Comment: Variant summary: MCCC1 c.1147G>A (p.Glu383Lys) results in a conservative amino acid change located in the biotin carboxylase, C-terminal domain (IPR005482) of the encoded protein sequence. Four of five in-silico tools predict a damaging effect of the variant on protein function. The variant was absent in 251446 control chromosomes (gnomAD). The available data on variant occurrences in the general population are insufficient to allow any conclusion about variant significance. c.1147G>A has been reported in the literature in settings of newborn screening where it has been observed in the heterozygous state (no second variant identified) in asymptomatic individuals presenting with a mild phenotype suggestive of Methylcrotonyl-CoA Carboxylase Deficiency in the first months of life, consistent with carrier status (e.g. Fonseca_2016, Navarrete_2019). However, these reports do not provide unequivocal conclusions about association of the variant with Methylcrotonyl-CoA Carboxylase Deficiency. To our knowledge, no experimental evidence demonstrating an impact on protein function has been reported. Two clinical diagnostic laboratories have submitted clinical-significance assessments for this variant to ClinVar after 2014 without evidence for independent evaluation and both classified the variant as uncertain significance. Based on the evidence outlined above, the variant was classified as uncertain significance.

Labcorp Genetics (formerly Invitae), Labcorp
Classification: Uncertain significance for 3-methylcrotonyl-CoA carboxylase 1 deficiency. Last evaluated: 2021-08-31. Review status: criteria provided, single submitter. Criteria: Invitae Variant Classification Sherloc (09022015). Collection method: clinical testing. Allele origin: germline.

Natera, Inc.
Classification: Uncertain significance for 3-methylcrotonyl-CoA carboxylase 1 deficiency. Last evaluated: 2020-01-16. Review status: no assertion criteria provided. Collection method: clinical testing. Allele origin: germline. Not counted in ClinVar's aggregate classification.

Literature cited by the submitters: PubMed 27601257 (cited by Women's Health and Genetics/Laboratory Corporation of America, LabCorp); PubMed 30626930 (cited by Women's Health and Genetics/Laboratory Corporation of America, LabCorp).

NM_020166.5(MCCC1):c.1147G>A (p.Glu383Lys)

Gene: MCCC1 (methylcrotonyl-CoA carboxylase subunit 1; minus strand). Cytogenetic location: 3q27.1.
Variant type: single nucleotide variant.
Coding change: c.1147G>A on transcript NM_020166.5 (MANE Select); coding-DNA position 1147, G replaced by A.
Protein change: p.Glu383Lys; replaces glutamic acid 383 with lysine.
Molecular consequence: missense variant. On other transcripts: non-coding transcript variant (2).
Genome position (GRCh38, 1-based): chr3:183,041,687, C>T on the plus strand (G>A on the coding strand, the complement: MCCC1 is on the minus strand). VCF-style: chr3-183041687-C-T. GRCh37 (hg19) VCF-style: chr3-182759475-C-T.
Other names: c.1147G>A (NM_020166.4); c.796G>A, p.Glu266Lys (NM_001293273.2); c.820G>A, p.Glu274Lys (NM_001363880.1); short protein forms E266K, E274K, E383K.
Identifiers: ClinVar variation 1025176 (VCV001025176.9), dbSNP rs1333357031, ClinGen allele CA355323104.